The following is an entry in ClinVar:

NM_000310.4(PPT1):c.862G>A (p.Asp288Asn)

Gene: PPT1 (palmitoyl-protein thioesterase 1; minus strand). Cytogenetic location: 1p34.2.
Variant type: single nucleotide variant.
Coding change: c.862G>A on transcript NM_000310.4 (MANE Select); coding-DNA position 862, G replaced by A.
Protein change: p.Asp288Asn; replaces aspartic acid 288 with asparagine.
Molecular consequence: missense variant.
Genome position (GRCh38, 1-based): chr1:40,074,120, C>T on the plus strand (G>A on the coding strand, the complement: PPT1 is on the minus strand). VCF-style: chr1-40074120-C-T. GRCh37 (hg19) VCF-style: chr1-40539792-C-T.
Other names: c.553G>A, p.Asp185Asn (NM_001142604.2); c.790G>A, p.Asp264Asn (NM_001363695.2); c.862G>A (NM_000310.3); short protein forms D185N, D264N, D288N.
Identifiers: ClinVar variation 1491869 (VCV001491869.7), dbSNP rs749414998, ClinGen allele CA339845553.

ClinVar aggregate classification (germline): Uncertain significance. Review status: criteria provided, single submitter (1 of 4 stars). 2 submissions from 2 submitters: Uncertain significance (1). 1 of the submissions does not count toward it. Last evaluated 2021-02-17.

Conditions:
Neuronal ceroid lipofuscinosis 1 (CLN1). Also called: CEROID LIPOFUSCINOSIS, NEURONAL, 1, VARIABLE AGE AT ONSET; PPT1-Related Neuronal Ceroid-Lipofuscinosis. Identifiers: Orphanet 228329, MedGen C1850451, MONDO:0009744, OMIM 256730.

Allele frequency attached by ClinVar (database versions not stated): TOPMed 0.00001.
gnomAD v4.1: 1 of 1,614,164 alleles (0.000062%); highest among the groups gnomAD compares: African/African-American, 0.0013%; no homozygotes.

Submissions (2):

Labcorp Genetics (formerly Invitae), Labcorp
Classification: Uncertain significance for Neuronal ceroid lipofuscinosis 1. Last evaluated: 2021-02-17. Review status: criteria provided, single submitter. Criteria: Invitae Variant Classification Sherloc (09022015). Collection method: clinical testing. Allele origin: germline.
Comment: In summary, the available evidence is currently insufficient to determine the role of this variant in disease. Therefore, it has been classified as a Variant of Uncertain Significance. Algorithms developed to predict the effect of missense changes on protein structure and function are either unavailable or do not agree on the potential impact of this missense change (SIFT: "Tolerated"; PolyPhen-2: "Possibly Damaging"; Align-GVGD: "Class C0"). This variant has not been reported in the literature in individuals with PPT1-related conditions. This variant is not present in population databases (ExAC no frequency). This sequence change replaces aspartic acid with asparagine at codon 288 of the PPT1 protein (p.Asp288Asn). The aspartic acid residue is highly conserved and there is a small physicochemical difference between aspartic acid and asparagine.

Natera, Inc.
Classification: Uncertain significance for Neuronal ceroid lipofuscinosis 1. Last evaluated: 2025-03-17. Review status: no assertion criteria provided. Collection method: clinical testing. Allele origin: germline. Not counted in ClinVar's aggregate classification.